The following is an entry in ClinVar:

NM_005035.4(POLRMT):c.3670C>T (p.Arg1224Cys)

Gene: POLRMT (RNA polymerase mitochondrial; minus strand). Cytogenetic location: 19p13.3.
Variant type: single nucleotide variant.
Coding change: c.3670C>T on transcript NM_005035.4 (MANE Select); coding-DNA position 3670, C replaced by T.
Protein change: p.Arg1224Cys; replaces arginine 1224 with cysteine.
Molecular consequence: missense variant. On other transcripts: non-coding transcript variant (1).
Genome position (GRCh38, 1-based): chr19:617,297, G>A on the plus strand (C>T on the coding strand, the complement: POLRMT is on the minus strand). VCF-style: chr19-617297-G-A. GRCh37 (hg19) VCF-style: chr19-617297-G-A.
Other names: c.3691C>T, p.Arg1231Cys (NM_001407805.1); c.3682C>T, p.Arg1228Cys (NM_001407806.1); c.3679C>T, p.Arg1227Cys (NM_001407807.1, NM_001407808.1); c.3661C>T, p.Arg1221Cys (NM_001407809.1); c.3658C>T, p.Arg1220Cys (NM_001407810.1); c.3649C>T, p.Arg1217Cys (NM_001407811.1); c.3631C>T, p.Arg1211Cys (NM_001407812.1); c.3628C>T, p.Arg1210Cys (NM_001407813.1); and 10 more; short protein forms R1090C, R1103C, R1113C, R1116C, R1123C, R1149C, R1190C, R1191C.
Identifiers: ClinVar variation 3024681 (VCV003024681.22), dbSNP rs199982300, ClinGen allele CA9018953.

ClinVar aggregate classification (germline): Likely benign (1 of 4 stars; one submission).

Allele frequency attached by ClinVar (database versions not stated): gnomAD 0.00002; gnomAD exomes 0.00002; TOPMed 0.00003; ExAC 0.00005; 1000 Genomes Project 30x 0.00047.
gnomAD v4.1: 37 of 1,612,874 alleles (0.0023%); highest among the groups gnomAD compares: Admixed American, 0.018%; no homozygotes.

Submission:

CeGaT Center for Human Genetics Tuebingen
Classification: Likely benign. Last evaluated: 2023-12-01. Review status: criteria provided, single submitter. Criteria: CeGaT Center For Human Genetics Tuebingen Variant Classification Criteria Version 2. Collection method: clinical testing. Allele origin: germline. Affected: yes. Observed: 1 variant allele.
Comment: POLRMT: BP4